The following is an entry in ClinVar:

ClinVar aggregate classification (germline): Uncertain significance (1 of 4 stars; one submission).

Conditions:
SAMD9-related disorder. Also called: SAMD9-related condition.

Submission:

PreventionGenetics, part of Exact Sciences
Classification: Uncertain significance for SAMD9-related condition. Last evaluated: 2024-12-27. Review status: criteria provided, single submitter. Criteria: ACMG Guidelines, 2015. Collection method: clinical testing. Allele origin: germline.
Comment: The SAMD9 c.3863A>T variant is predicted to result in the amino acid substitution p.Glu1288Val. To our knowledge, this variant has not been reported in the literature or in a large population database, indicating this variant is rare. This variant is listed in ClinVar with an interpretation of uncertain significance. At this time, the clinical significance of this variant is uncertain due to the absence of conclusive functional and genetic evidence.

NM_017654.4(SAMD9):c.3863A>T (p.Glu1288Val)

Gene: SAMD9 (sterile alpha motif domain containing 9; minus strand). Cytogenetic location: 7q21.2.
Variant type: single nucleotide variant.
Coding change: c.3863A>T on transcript NM_017654.4 (MANE Select); coding-DNA position 3863, A replaced by T.
Protein change: p.Glu1288Val; replaces glutamic acid 1288 with valine.
Molecular consequence: missense variant.
Genome position (GRCh38, 1-based): chr7:93,102,235, T>A on the plus strand (A>T on the coding strand, the complement: SAMD9 is on the minus strand). VCF-style: chr7-93102235-T-A. GRCh37 (hg19) VCF-style: chr7-92731548-T-A.
Other names: c.3863A>T, p.Glu1288Val (NM_001193307.2); short protein forms E1288V.
Identifiers: ClinVar variation 2635540 (VCV002635540.2), dbSNP rs2535354543, ClinGen allele CA368182107.